The following is an entry in ClinVar:

ClinVar aggregate classification (germline): Uncertain significance (1 of 4 stars; one submission).

Submission:

Centre of Medical Genetics, University Hospital Muenster
Classification: Uncertain significance. Last evaluated: 2021-12-17. Review status: criteria provided, single submitter. Criteria: ACMG Guidelines, 2015. Collection method: clinical testing. Allele origin: somatic. Affected: yes. Observed: 1 variant allele, 1 heterozygote.
Comment: ACMG categories: PM2,PP2,PP3,BP1

NM_001412.4(EIF1AX):c.17G>T (p.Gly6Val)

Gene: EIF1AX (eukaryotic translation initiation factor 1A X-linked; minus strand). Cytogenetic location: Xp22.12.
Variant type: single nucleotide variant.
Coding change: c.17G>T on transcript NM_001412.4 (MANE Select); coding-DNA position 17, G replaced by T.
Protein change: p.Gly6Val; replaces glycine 6 with valine.
Molecular consequence: missense variant.
Genome position (GRCh38, 1-based): chrX:20,138,622, C>A on the plus strand (G>T on the coding strand, the complement: EIF1AX is on the minus strand). VCF-style: chrX-20138622-C-A. GRCh37 (hg19) VCF-style: chrX-20156740-C-A.
Other names: short protein forms G6V.
Identifiers: ClinVar variation 1708311 (VCV001708311.3), dbSNP rs2148609285, ClinGen allele CA412510290.